The following is an entry in ClinVar:

NM_005619.5(RTN2):c.560-1G>T

Genes: OPA3-RTN2 (OPA3-RTN2 readthrough; minus strand), RTN2 (reticulon 2; minus strand). Cytogenetic location: 19q13.32.
Variant type: single nucleotide variant.
Coding change: c.560-1G>T on transcript NM_005619.5 (MANE Select); the canonical splice acceptor site of the intron before coding-DNA position 560, G replaced by T.
Molecular consequence: splice acceptor variant.
Genome position (GRCh38, 1-based): chr19:45,494,421, C>A on the plus strand (G>T on the coding strand, the complement: RTN2 is on the minus strand). VCF-style: chr19-45494421-C-A. GRCh37 (hg19) VCF-style: chr19-45997679-C-A.
Other names: c.560-1G>T (NM_206900.3).
Identifiers: ClinVar variation 229205 (VCV000229205.5), dbSNP rs876657982, ClinGen allele CA10577105.

ClinVar aggregate classification (germline): Uncertain significance (1 of 4 stars; one submission).

Submission:

Laboratory for Molecular Medicine, Mass General Brigham Personalized Medicine
Classification: Uncertain significance. Last evaluated: 2015-07-15. Review status: criteria provided, single submitter. Criteria: LMM Criteria. Collection method: clinical testing. Allele origin: germline. Observed: 2 variant alleles.
Comment: The c.560-1G>T variant in RTN2 has not been previously reported in individuals w ith disease and was absent from large population studies. This variant occurs in the invariant region (+/- 1/2) of the splice consensus sequence and is predicte d to cause altered splicing leading to an abnormal or absent protein. Heterozygo us loss of function of the RTN2 gene has been associated with spastic paraplegia (Montenegro 2012, Neveling 2013); though the exact mechanism is unclear. This variant falls within an exon that is not utilized in an abundantly expressed RTN 2 transcript, raising the possibility that it may not be disease causing. In summary, th e clinical significance of the c.560-1G>T variant is uncertain.